The following is an entry in ClinVar:

NM_031433.4(MFRP):c.1506_1507del (p.Ser502fs)

Genes: C1QTNF5 (C1q and TNF related 5; minus strand), MFRP (membrane frizzled-related protein; minus strand). Cytogenetic location: 11q23.3.
Variant type: Deletion.
Coding change: c.1506_1507del on transcript NM_031433.4 (MANE Select); coding-DNA positions 1506 to 1507, 2 bases deleted (CG; older notation c.1506_1507delCG).
Protein change: p.Ser502fs; shifts the reading frame from serine 502.
Molecular consequence: frameshift variant. On other transcripts: 5 prime UTR variant (1).
Genome position (GRCh38, 1-based): chr11:119,341,865-119,341,866, CG deleted on the plus strand (CG on the coding strand, the reverse complement: MFRP is on the minus strand); deleting any 2 consecutive bases within chr11:119,341,865-119,341,867 gives the same sequence; the c. name uses the placement nearest the transcript's 3' end. VCF-style (leftmost placement, unchanged base first): chr11-119341864-CCG-C. GRCh37 (hg19) VCF-style: chr11-119212574-CCG-C.
Other names: c.-1131_-1130del (NM_015645.5); short protein forms S502fs.
Identifiers: ClinVar variation 2706696 (VCV002706696.3), dbSNP rs2497080009, ClinGen allele CA2697558997.
Genomic context (GRCh38, chr11:119,341,864, plus strand): 5'-CTCCCAGGCTCCTCCCCTCCCAGGCCCGCCCTCCTTCCCTCCACCCAGAAGACCTTGTAA[CCG>C]CTGAGGACCTCTACCACCTCCTCCTGGGTGATCATGCCCACCCAGATGTTAGGGAAGGCT-3'

ClinVar aggregate classification (germline): Pathogenic (1 of 4 stars; one submission).

Conditions:
Isolated microphthalmia 5. Also called: Posterior Microphthalmia with Retinitis Pigmentosa, Foveoschisis, and Optic Disc Drusen. Identifiers: Orphanet 251279, MedGen C1970236, MONDO:0012605, OMIM 611040.

Submission:

Labcorp Genetics (formerly Invitae), Labcorp
Classification: Pathogenic for Isolated microphthalmia 5. Last evaluated: 2024-08-17. Review status: criteria provided, single submitter. Criteria: Invitae Variant Classification Sherloc (09022015). Collection method: clinical testing. Allele origin: germline.
Comment: This sequence change creates a premature translational stop signal (p.Ser502Argfs*70) in the MFRP gene. It is expected to result in an absent or disrupted protein product. Loss-of-function variants in MFRP are known to be pathogenic (PMID: 12140190, 15976030, 20361016). This variant is not present in population databases (gnomAD no frequency). This variant has not been reported in the literature in individuals affected with MFRP-related conditions. Algorithms developed to predict the effect of sequence changes on RNA splicing suggest that this variant may disrupt the consensus splice site. For these reasons, this variant has been classified as Pathogenic.

Literature cited by the submitters: PubMed 12140190; PubMed 15976030; PubMed 20361016.